The following is an entry in ClinVar:

ClinVar aggregate classification (germline): Pathogenic/Likely pathogenic. Review status: criteria provided, multiple submitters, no conflicts (2 of 4 stars). 2 submissions from 2 submitters: Pathogenic (1); Likely pathogenic (1). Last evaluated 2025-11-14.

Conditions:
Short stature-optic atrophy-Pelger-Huët anomaly syndrome. Also called: Short stature, optic nerve atrophy, and Pelger-Huet anomaly; Short stature-optic atrophy-Pelger-HuC+t anomaly syndrome. Identifiers: Orphanet 391677, MedGen C3541319, MONDO:0013889, OMIM 614800.
Infantile liver failure syndrome 2 (ILFS2). Identifiers: MedGen C3809651, MONDO:0014659, OMIM 616483.

Submissions (2):

Labcorp Genetics (formerly Invitae), Labcorp
Classification: Pathogenic. Last evaluated: 2025-11-14. Review status: criteria provided, single submitter. Criteria: Invitae Variant Classification Sherloc (09022015). Collection method: clinical testing. Allele origin: germline.
Comment: This sequence change creates a premature translational stop signal (p.Leu1962Hisfs*8) in the NBAS gene. It is expected to result in an absent or disrupted protein product. Loss-of-function variants in NBAS are known to be pathogenic (PMID: 26073778, 26541327, 27789416, 28031453). This variant is not present in population databases (gnomAD no frequency). This variant has not been reported in the literature in individuals affected with NBAS-related conditions. ClinVar contains an entry for this variant (Variation ID: 3584475). For these reasons, this variant has been classified as Pathogenic.

Fulgent Genetics
Classification: Likely pathogenic for Short stature-optic atrophy-Pelger-Huët anomaly syndrome; Infantile liver failure syndrome 2. Last evaluated: 2024-05-15. Review status: criteria provided, single submitter. Criteria: ACMG Guidelines, 2015. Collection method: clinical testing. Allele origin: germline.

Literature cited by the submitters: PubMed 26073778 (cited by Labcorp Genetics (formerly Invitae), Labcorp); PubMed 26541327 (cited by Labcorp Genetics (formerly Invitae), Labcorp); PubMed 27789416 (cited by Labcorp Genetics (formerly Invitae), Labcorp); PubMed 28031453 (cited by Labcorp Genetics (formerly Invitae), Labcorp).

NM_015909.4(NBAS):c.5883_5884dup (p.Leu1962fs)

Gene: NBAS (NBAS subunit of NRZ tethering complex; minus strand). Cytogenetic location: 2p24.3.
Variant type: Duplication.
Coding change: c.5883_5884dup on transcript NM_015909.4 (MANE Select); coding-DNA positions 5883 to 5884, 2 bases duplicated (AC; older notation c.5883_5884dupAC).
Protein change: p.Leu1962fs; shifts the reading frame from leucine 1962.
Molecular consequence: frameshift variant. On other transcripts: non-coding transcript variant (1).
Genome position (GRCh38, 1-based): chr2:15,238,527-15,238,528, GT duplicated on the plus strand (AC on the coding strand, the reverse complement: NBAS is on the minus strand); duplicating any 2 consecutive bases within chr2:15,238,527-15,238,529 gives the same sequence; the c. name uses the placement nearest the transcript's 3' end. VCF-style (leftmost placement, unchanged base first): chr2-15238526-A-AGT. GRCh37 (hg19) VCF-style: chr2-15378650-A-AGT.
Other names: short protein forms L1962fs.
Identifiers: ClinVar variation 3584475 (VCV003584475.3).